The following is an entry in ClinVar:

ClinVar aggregate classification (germline): Uncertain significance (1 of 4 stars; one submission).

Submission:

Labcorp Genetics (formerly Invitae), Labcorp
Classification: Uncertain significance. Last evaluated: 2022-05-05. Review status: criteria provided, single submitter. Criteria: Invitae Variant Classification Sherloc (09022015). Collection method: clinical testing. Allele origin: germline.
Comment: This sequence change replaces valine, which is neutral and non-polar, with isoleucine, which is neutral and non-polar, at codon 163 of the DRAM2 protein (p.Val163Ile). This variant is not present in population databases (gnomAD no frequency). This variant has not been reported in the literature in individuals affected with DRAM2-related conditions. Algorithms developed to predict the effect of missense changes on protein structure and function (SIFT, PolyPhen-2, Align-GVGD) all suggest that this variant is likely to be tolerated. In summary, the available evidence is currently insufficient to determine the role of this variant in disease. Therefore, it has been classified as a Variant of Uncertain Significance.

NM_001349884.2(DRAM2):c.487G>A (p.Val163Ile)

Gene: DRAM2 (DNA damage regulated autophagy modulator 2; minus strand). Cytogenetic location: 1p13.3.
Variant type: single nucleotide variant.
Coding change: c.487G>A on transcript NM_001349884.2 (MANE Select); coding-DNA position 487, G replaced by A.
Protein change: p.Val163Ile; replaces valine 163 with isoleucine.
Molecular consequence: missense variant. On other transcripts: non-coding transcript variant (8).
Genome position (GRCh38, 1-based): chr1:111,120,546, C>T on the plus strand (G>A on the coding strand, the complement: DRAM2 is on the minus strand). VCF-style: chr1-111120546-C-T. GRCh37 (hg19) VCF-style: chr1-111663168-C-T.
Other names: c.487G>A, p.Val163Ile (NM_001349881.2, NM_001349882.2, NM_001349885.2 and 1 more transcripts); c.217G>A, p.Val73Ile (NM_001349886.2, NM_001349887.2, NM_001349888.2); c.97G>A, p.Val33Ile (NM_001349889.2, NM_001349890.2, NM_001349891.2 and 2 more transcripts); short protein forms V163I, V73I, V33I.
Identifiers: ClinVar variation 2134051 (VCV002134051.4), dbSNP rs2524697000, ClinGen allele CA341818792.